The following is an entry in ClinVar:

ClinVar aggregate classification (germline): Uncertain significance (1 of 4 stars; one submission).

Conditions:
Intellectual developmental disorder, X-linked, syndromic, Turner type. Also called: Intellectual disability, X-linked syndromic, Turner type; X-linked intellectual disability, Turner type. Identifiers: Orphanet 3056, Orphanet 85328, MedGen C2678046, MONDO:0010407, OMIM 309590.

Submission:

New York Genome Center
Classification: Uncertain significance for Intellectual developmental disorder, X-linked, syndromic, Turner type. Last evaluated: 2020-05-29. Review status: criteria provided, single submitter. Criteria: NYGC Assertion Criteria 2020. Collection method: clinical testing. Allele origin: inherited. Observed: 1 hemizygote. Study: CSER-NYCKidSeq.
Comment: The hemizygous, maternally inherited c.9514C>G (p.Leu3172Val) variant identified in the HUWE1 gene substitutes a well conserved Leucine for Valine at amino acid 3172/4375 (coding exon 67/84). This variant is absent from gnomAD(v3.0) suggesting it is not a common benign variant in the populations represented in that database. In silico algorithms predict this variant to be Neutral (Provean; score:-0.53) and Tolerated (SIFT; score:0.186) to the function of the canonical transcript. This variant is absent from ClinVar and to our current knowledge has not been reported in affected individuals in the literature. The p.Leu3172 residue is not within a mapped domain of HUWE1 (UniProtKB: Q7Z6Z7), however missense variants outside of mapped domains have been identified in affected individuals (for Review; [PMID:32336296]). Given the lack of compelling evidence for its pathogenicity, the hemizygous, inherited c.9514C>G (p.Leu3172Val) variant identified in the HUWE1 gene is reported here as a Variant of Uncertain Significance.

NM_031407.7(HUWE1):c.9514C>G (p.Leu3172Val)

Gene: HUWE1 (HECT, UBA and WWE domain containing E3 ubiquitin protein ligase 1; minus strand). Cytogenetic location: Xp11.22.
Variant type: single nucleotide variant.
Coding change: c.9514C>G on transcript NM_031407.7 (MANE Select); coding-DNA position 9514, C replaced by G.
Protein change: p.Leu3172Val; replaces leucine 3172 with valine.
Molecular consequence: missense variant.
Genome position (GRCh38, 1-based): chrX:53,549,480, G>C on the plus strand (C>G on the coding strand, the complement: HUWE1 is on the minus strand). VCF-style: chrX-53549480-G-C. GRCh37 (hg19) VCF-style: chrX-53576441-G-C.
Other names: short protein forms L3172V.
Identifiers: ClinVar variation 1184284 (VCV001184284.1), dbSNP rs2147253217, ClinGen allele CA413138274.